The following is an entry in ClinVar:

ClinVar aggregate classification (germline): Uncertain significance (1 of 4 stars; one submission).

Conditions:
Neurofibromatosis, type 1 (NF1). Also called: VON RECKLINGHAUSEN DISEASE; NEUROFIBROMATOSIS, TYPE I, SOMATIC; Neurofibromatosis, type I; Peripheral type neurofibromatosis. Identifiers: Orphanet 636, MedGen C0027831, MONDO:0018975, OMIM 162200. Disease mechanism: loss of function.

gnomAD v4.1: 1 of 1,613,668 alleles (0.000062%); highest among the groups gnomAD compares: Non-Finnish European, 0.000085%; no homozygotes.

Submission:

Labcorp Genetics (formerly Invitae), Labcorp
Classification: Uncertain significance for Neurofibromatosis, type 1. Last evaluated: 2024-11-15. Review status: criteria provided, single submitter. Criteria: Invitae Variant Classification Sherloc (09022015). Collection method: clinical testing. Allele origin: germline.
Comment: This sequence change replaces threonine, which is neutral and polar, with serine, which is neutral and polar, at codon 1961 of the NF1 protein (p.Thr1961Ser). This variant is not present in population databases (gnomAD no frequency). This variant has not been reported in the literature in individuals affected with NF1-related conditions. Invitae Evidence Modeling of protein sequence and biophysical properties (such as structural, functional, and spatial information, amino acid conservation, physicochemical variation, residue mobility, and thermodynamic stability) indicates that this missense variant is expected to disrupt NF1 protein function with a positive predictive value of 95%. In summary, the available evidence is currently insufficient to determine the role of this variant in disease. Therefore, it has been classified as a Variant of Uncertain Significance.

NM_001042492.3(NF1):c.5944A>T (p.Thr1982Ser)

Gene: NF1 (neurofibromin 1; plus strand). Cytogenetic location: 17q11.2.
Variant type: single nucleotide variant.
Coding change: c.5944A>T on transcript NM_001042492.3 (MANE Select); coding-DNA position 5944, A replaced by T.
Protein change: p.Thr1982Ser; replaces threonine 1982 with serine.
Molecular consequence: missense variant.
Genome position (GRCh38, 1-based): chr17:31,334,969, A>T. VCF-style: chr17-31334969-A-T. GRCh37 (hg19) VCF-style: chr17-29661987-A-T.
Other names: c.5881A>T, p.Thr1961Ser (NM_000267.4); short protein forms T1961S, T1982S.
Identifiers: ClinVar variation 3671048 (VCV003671048.2).
Genomic context (GRCh38, chr17:31,334,969, plus strand): 5'-CATAATGATGATGCCAAACGACAAAGAGTTACTGCTATTCTTGACAAGCTGATAACAATG[A>T]CCATCAATGAAAAACAGATGTACCCATCTATTCAAGCAAAAATATGGGGAAGCCTTGGGC-3'
Protein context (NP_001035957.1, residues 1972-1992): TAILDKLITM[Thr1982Ser]INEKQMYPSI